The following is an entry in ClinVar:

NM_015909.4(NBAS):c.7058C>T (p.Thr2353Ile)

Gene: NBAS (NBAS subunit of NRZ tethering complex; minus strand). Cytogenetic location: 2p24.3.
Variant type: single nucleotide variant.
Coding change: c.7058C>T on transcript NM_015909.4 (MANE Select); coding-DNA position 7058, C replaced by T.
Protein change: p.Thr2353Ile; replaces threonine 2353 with isoleucine.
Molecular consequence: missense variant. On other transcripts: non-coding transcript variant (1).
Genome position (GRCh38, 1-based): chr2:15,167,106, G>A on the plus strand (C>T on the coding strand, the complement: NBAS is on the minus strand). VCF-style: chr2-15167106-G-A. GRCh37 (hg19) VCF-style: chr2-15307230-G-A.
Other names: short protein forms T2353I.
Identifiers: ClinVar variation 1920812 (VCV001920812.2), dbSNP rs1286956472, ClinGen allele CA345910758.

ClinVar aggregate classification (germline): Uncertain significance (1 of 4 stars; one submission).

Allele frequency attached by ClinVar (database versions not stated): gnomAD 0.00001; gnomAD exomes 0.00001.
gnomAD v4.1: 21 of 1,613,478 alleles (0.0013%); highest among the groups gnomAD compares: Non-Finnish European, 0.0017%; no homozygotes.

Submission:

Labcorp Genetics (formerly Invitae), Labcorp
Classification: Uncertain significance. Last evaluated: 2022-08-19. Review status: criteria provided, single submitter. Criteria: Invitae Variant Classification Sherloc (09022015). Collection method: clinical testing. Allele origin: germline.
Comment: This sequence change replaces threonine, which is neutral and polar, with isoleucine, which is neutral and non-polar, at codon 2353 of the NBAS protein (p.Thr2353Ile). This variant is present in population databases (no rsID available, gnomAD 0.007%). This variant has not been reported in the literature in individuals affected with NBAS-related conditions. Algorithms developed to predict the effect of missense changes on protein structure and function (SIFT, PolyPhen-2, Align-GVGD) all suggest that this variant is likely to be disruptive. In summary, the available evidence is currently insufficient to determine the role of this variant in disease. Therefore, it has been classified as a Variant of Uncertain Significance.